The following is an entry in ClinVar:

NM_033187.2(KRTAP4-3):c.141C>T (p.Ser47=)

Gene: KRTAP4-3 (keratin associated protein 4-3; minus strand). Cytogenetic location: 17q21.2.
Variant type: single nucleotide variant.
Coding change: c.141C>T on transcript NM_033187.2 (MANE Select); coding-DNA position 141, C replaced by T.
Protein change: p.Ser47=; no amino-acid change (serine 47 retained).
Molecular consequence: synonymous variant.
Genome position (GRCh38, 1-based): chr17:41,168,032, G>A on the plus strand (C>T on the coding strand, the complement: KRTAP4-3 is on the minus strand). VCF-style: chr17-41168032-G-A. GRCh37 (hg19) VCF-style: chr17-39324284-G-A.
Identifiers: ClinVar variation 3777794 (VCV003777794.7).

ClinVar aggregate classification (germline): Likely benign (1 of 4 stars; one submission).

Submission:

CeGaT Center for Human Genetics Tuebingen
Classification: Likely benign. Last evaluated: 2025-03-01. Review status: criteria provided, single submitter. Criteria: CeGaT Center For Human Genetics Tuebingen Variant Classification Criteria Version 2. Collection method: clinical testing. Allele origin: germline. Affected: yes. Observed: 1 variant allele.
Comment: KRTAP4-3: BP4, BP7